The following is an entry in ClinVar:

NM_000038.6(APC):c.5631A>G (p.Glu1877=)

Gene: APC (APC regulator of Wnt signaling pathway; plus strand). Cytogenetic location: 5q22.2.
Variant type: single nucleotide variant.
Coding change: c.5631A>G on transcript NM_000038.6 (MANE Select); coding-DNA position 5631, A replaced by G.
Protein change: p.Glu1877=; no amino-acid change (glutamic acid 1877 retained).
Molecular consequence: synonymous variant. On other transcripts: non-coding transcript variant (2).
Genome position (GRCh38, 1-based): chr5:112,841,225, A>G. VCF-style: chr5-112841225-A-G. GRCh37 (hg19) VCF-style: chr5-112176922-A-G.
Other names: c.5685A>G, p.Glu1895= (NM_001407449.1, NM_001354896.2, NM_001407447.1 and 1 more transcripts); c.5610A>G, p.Glu1870= (NM_001407451.1); c.5454A>G, p.Glu1818= (NM_001407453.1, NM_001354901.2); c.5382A>G, p.Glu1794= (NM_001407454.1, NM_001407455.1, NM_001407456.1 and 1 more transcripts); c.5631A>G, p.Glu1877= (NM_001407450.1, NM_001127510.3, NM_001354895.2); c.5601A>G, p.Glu1867= (NM_001407452.1); c.5577A>G, p.Glu1859= (NM_001127511.3); c.5661A>G, p.Glu1887= (NM_001354897.2); and 11 more.
Identifiers: ClinVar variation 2587009 (VCV002587009.3), dbSNP rs2149945125, ClinGen allele CA446208980.

ClinVar aggregate classification (germline): Benign/Likely benign. Review status: criteria provided, multiple submitters, no conflicts (2 of 4 stars). 2 submissions from 2 submitters: Benign (1); Likely benign (1). Last evaluated 2024-04-02.

Conditions:
Familial adenomatous polyposis 1 (FAP1). Also called: FAMILIAL ADENOMATOUS POLYPOSIS 1, ATTENUATED; POLYPOSIS, ADENOMATOUS INTESTINAL. Identifiers: MedGen C2713442, MONDO:0021056, OMIM 175100. Disease mechanism: loss of function.
Hereditary cancer-predisposing syndrome. Also called: Hereditary neoplastic syndrome; Tumor predisposition; Hereditary Cancer Syndrome; Neoplastic Syndromes, Hereditary. Identifiers: Orphanet 140162, MedGen C0027672, MeSH D009386, MONDO:0015356.

gnomAD v4.1: 1 of 1,613,958 alleles (0.000062%); no homozygotes.

Submissions (2):

Myriad Genetics, Inc.
Classification: Benign for Familial adenomatous polyposis 1. Last evaluated: 2024-04-02. Review status: criteria provided, single submitter. Criteria: Myriad Autosomal Dominant, Autosomal Recessive and X-Linked Classification Criteria (2023). Collection method: clinical testing. Allele origin: unknown.
Comment: This variant is considered benign. This variant is a silent/synonymous amino acid change and it is not expected to impact splicing.

Ambry Genetics
Classification: Likely benign for Hereditary cancer-predisposing syndrome. Last evaluated: 2023-07-26. Review status: criteria provided, single submitter. Criteria: Ambry Variant Classification Scheme 2023. Collection method: clinical testing. Allele origin: germline.